The following is an entry in ClinVar:

ClinVar aggregate classification (germline): Uncertain significance (1 of 4 stars; one submission).

Allele frequency attached by ClinVar (database versions not stated): gnomAD exomes below 0.00001.
gnomAD v4.1: 2 of 1,614,150 alleles (0.00012%); highest among the groups gnomAD compares: Non-Finnish European, 0.00017%; no homozygotes.

Submission:

CeGaT Center for Human Genetics Tuebingen
Classification: Uncertain significance. Last evaluated: 2023-12-01. Review status: criteria provided, single submitter. Criteria: CeGaT Center For Human Genetics Tuebingen Variant Classification Criteria Version 2. Collection method: clinical testing. Allele origin: germline. Affected: yes. Observed: 1 variant allele.
Comment: SETX: PM2, PM5, BP4

NM_015046.7(SETX):c.7448G>A (p.Gly2483Glu)

Gene: SETX (senataxin; minus strand). Cytogenetic location: 9q34.13.
Variant type: single nucleotide variant.
Coding change: c.7448G>A on transcript NM_015046.7 (MANE Select); coding-DNA position 7448, G replaced by A.
Protein change: p.Gly2483Glu; replaces glycine 2483 with glutamic acid.
Molecular consequence: missense variant.
Genome position (GRCh38, 1-based): chr9:132,264,825, C>T on the plus strand (G>A on the coding strand, the complement: SETX is on the minus strand). VCF-style: chr9-132264825-C-T. GRCh37 (hg19) VCF-style: chr9-135140212-C-T.
Other names: c.7535G>A, p.Gly2512Glu (NM_001351528.2); c.7448G>A, p.Gly2483Glu (NM_001351527.2); short protein forms G2483E, G2512E.
Identifiers: ClinVar variation 3026581 (VCV003026581.22), dbSNP rs1564464281, ClinGen allele CA375325487.
Genomic context (GRCh38, chr9:132,264,825, plus strand): 5'-GATGTCTTGGCAAATCCACTGTCTAGCTTGCTGCTGGGCAAACCACCCTGGGGTCTGGAC[C>T]CCTCTGGGGCTATGGTAGGAGGGTGAGTGAGACTTCTCTGCAGCACAGGCTTGAGTTTCA-3'
Protein context (NP_055861.3, residues 2473-2493): LTHPPTIAPE[Gly2483Glu]SRPQGGLPSS